The following is an entry in ClinVar:

ClinVar aggregate classification (germline): Benign/Likely benign. Review status: criteria provided, multiple submitters, no conflicts (2 of 4 stars). 3 submissions from 3 submitters: Benign (1); Likely benign (2). Last evaluated 2026-01-08.

Conditions:
Hereditary cancer-predisposing syndrome. Also called: Neoplastic Syndromes, Hereditary; Tumor predisposition; Hereditary Cancer Syndrome; Hereditary neoplastic syndrome. Identifiers: Orphanet 140162, MedGen C0027672, MeSH D009386, MONDO:0015356.
Tuberous sclerosis 2 (TSC2). Identifiers: Orphanet 805, MedGen C1860707, MONDO:0013199, OMIM 613254.

Allele frequency attached by ClinVar (database versions not stated): gnomAD exomes below 0.00001 and 0.00001; ExAC 0.00001.
gnomAD v4.1: 2 of 1,605,842 alleles (0.00012%); highest among the groups gnomAD compares: East Asian, 0.0022%; no homozygotes.

Submissions (3):

Labcorp Genetics (formerly Invitae), Labcorp
Classification: Likely benign for Tuberous sclerosis 2. Last evaluated: 2026-01-08. Review status: criteria provided, single submitter. Criteria: Invitae Variant Classification Sherloc (09022015). Collection method: clinical testing. Allele origin: germline.

Myriad Genetics, Inc.
Classification: Benign for Tuberous sclerosis 2. Last evaluated: 2025-06-09. Review status: criteria provided, single submitter. Criteria: Myriad Autosomal Dominant, Autosomal Recessive and X-Linked Classification Criteria (2023). Collection method: clinical testing. Allele origin: unknown.
Comment: This variant is considered benign. This variant is a silent/synonymous amino acid change and it is not expected to impact splicing.

Ambry Genetics
Classification: Likely benign for Hereditary cancer-predisposing syndrome. Last evaluated: 2018-04-25. Review status: criteria provided, single submitter. Criteria: Ambry Variant Classification Scheme 2023. Collection method: clinical testing. Allele origin: germline.

NM_000548.5(TSC2):c.5406C>T (p.Asp1802=)

Gene: TSC2 (TSC complex subunit 2; plus strand). Cytogenetic location: 16p13.3.
Variant type: single nucleotide variant.
Coding change: c.5406C>T on transcript NM_000548.5 (MANE Select); coding-DNA position 5406, C replaced by T.
Protein change: p.Asp1802=; no amino-acid change (aspartic acid 1802 retained).
Molecular consequence: synonymous variant.
Genome position (GRCh38, 1-based): chr16:2,088,592, C>T. VCF-style: chr16-2088592-C-T. GRCh37 (hg19) VCF-style: chr16-2138593-C-T.
Other names: c.5205C>T, p.Asp1735= (NM_001077183.3); c.5337C>T, p.Asp1779= (NM_001114382.3); c.5097C>T, p.Asp1699= (NM_001318827.2); c.5061C>T, p.Asp1687= (NM_001318829.2); c.4674C>T, p.Asp1558= (NM_001318831.2); c.5238C>T, p.Asp1746= (NM_001318832.2); c.5208C>T, p.Asp1736= (NM_001363528.2); c.5274C>T, p.Asp1758= (NM_001370404.1); and 2 more.
Identifiers: ClinVar variation 536025 (VCV000536025.15), dbSNP rs746376375, ClinGen allele CA055328.